The following is an entry in ClinVar:

NM_000179.3(MSH6):c.3574G>A (p.Val1192Ile)

Gene: MSH6 (mutS homolog 6; plus strand). Cytogenetic location: 2p16.3.
Variant type: single nucleotide variant.
Coding change: c.3574G>A on transcript NM_000179.3 (MANE Select); coding-DNA position 3574, G replaced by A.
Protein change: p.Val1192Ile; replaces valine 1192 with isoleucine.
Molecular consequence: missense variant.
Genome position (GRCh38, 1-based): chr2:47,805,635, G>A. VCF-style: chr2-47805635-G-A. GRCh37 (hg19) VCF-style: chr2-48032774-G-A.
Other names: c.3184G>A, p.Val1062Ile (NM_001281492.2); c.2668G>A, p.Val890Ile (NM_001281493.2, NM_001281494.2); short protein forms V1062I, V1192I, V890I.
Identifiers: ClinVar variation 955698 (VCV000955698.12), dbSNP rs1669959178, ClinGen allele CA346760496.

ClinVar aggregate classification (germline): Uncertain significance. Review status: criteria provided, multiple submitters, no conflicts (2 of 4 stars). 3 submissions from 3 submitters: Uncertain significance (3). Last evaluated 2024-09-30.

Conditions:
Hereditary cancer-predisposing syndrome. Also called: Hereditary neoplastic syndrome; Tumor predisposition; Neoplastic Syndromes, Hereditary; Hereditary Cancer Syndrome. Identifiers: Orphanet 140162, MedGen C0027672, MeSH D009386, MONDO:0015356.
Hereditary nonpolyposis colorectal neoplasms. Identifiers: MedGen C0009405, MeSH D003123.

Allele frequency attached by ClinVar (database versions not stated): gnomAD exomes below 0.00001.
gnomAD v4.1: 1 of 1,603,940 alleles (0.000062%); highest among the groups gnomAD compares: East Asian, 0.0022%; no homozygotes.

Submissions (3):

Ambry Genetics
Classification: Uncertain significance for Hereditary cancer-predisposing syndrome. Last evaluated: 2024-09-30. Review status: criteria provided, single submitter. Criteria: Ambry Variant Classification Scheme 2023. Collection method: clinical testing. Allele origin: germline.
Comment: The p.V1192I variant (also known as c.3574G>A), located in coding exon 7 of the MSH6 gene, results from a G to A substitution at nucleotide position 3574. The valine at codon 1192 is replaced by isoleucine, an amino acid with highly similar properties. This amino acid position is highly conserved in available vertebrate species. In addition, the in silico prediction for this alteration is inconclusive. Based on the available evidence, the clinical significance of this variant remains unclear.

Labcorp Genetics (formerly Invitae), Labcorp
Classification: Uncertain significance for Hereditary nonpolyposis colorectal neoplasms. Last evaluated: 2021-07-21. Review status: criteria provided, single submitter. Criteria: Invitae Variant Classification Sherloc (09022015). Collection method: clinical testing. Allele origin: germline.
Comment: This sequence change replaces valine with isoleucine at codon 1192 of the MSH6 protein (p.Val1192Ile). The valine residue is highly conserved and there is a small physicochemical difference between valine and isoleucine. This variant is not present in population databases (ExAC no frequency). This variant has not been reported in the literature in individuals with MSH6-related conditions. Algorithms developed to predict the effect of missense changes on protein structure and function (SIFT, PolyPhen-2, Align-GVGD) all suggest that this variant is likely to be disruptive, but these predictions have not been confirmed by published functional studies and their clinical significance is uncertain. In summary, the available evidence is currently insufficient to determine the role of this variant in disease. Therefore, it has been classified as a Variant of Uncertain Significance.

Sema4
Classification: Uncertain significance for Hereditary cancer-predisposing syndrome. Last evaluated: 2021-06-09. Review status: criteria provided, single submitter. Criteria: Sema4 Curation Guidelines. Collection method: curation. Allele origin: germline.
Comment: To the best of our knowledge, the MSH6 c.3574G>A (p.V1192I) variant has not been reported in individuals with MSH6-related disease. It was not observed in the large and broad cohorts of the Genome Aggregation Database (PMID: 32461654), but has been reported in ClinVar (Variation ID 955698). In silico tools suggest the impact of the variant on protein function is deleterious, though these predictions have not been confirmed by functional studies. The evidence is insufficient to meet ACMG/AMP criteria for classifying the variant as benign or pathogenic. Thus, the clinical significance of this variant is currently uncertain.